The following is an entry in ClinVar:

ClinVar aggregate classification (germline): Benign/Likely benign. Review status: criteria provided, multiple submitters, no conflicts (2 of 4 stars). 2 submissions from 2 submitters: Benign (1); Likely benign (1). Last evaluated 2025-05-16.

Conditions:
Tuberous sclerosis 2 (TSC2). Identifiers: Orphanet 805, MedGen C1860707, MONDO:0013199, OMIM 613254.

Submissions (2):

Myriad Genetics, Inc.
Classification: Benign for Tuberous sclerosis 2. Last evaluated: 2025-05-16. Review status: criteria provided, single submitter. Criteria: Myriad Autosomal Dominant, Autosomal Recessive and X-Linked Classification Criteria (2023). Collection method: clinical testing. Allele origin: unknown.
Comment: This variant is considered benign. This variant is a silent/synonymous amino acid change and it is not expected to impact splicing.

Labcorp Genetics (formerly Invitae), Labcorp
Classification: Likely benign for Tuberous sclerosis 2. Last evaluated: 2023-02-16. Review status: criteria provided, single submitter. Criteria: Invitae Variant Classification Sherloc (09022015). Collection method: clinical testing. Allele origin: germline.

NM_000548.5(TSC2):c.2004G>A (p.Gly668=)

Gene: TSC2 (TSC complex subunit 2; plus strand). Cytogenetic location: 16p13.3.
Variant type: single nucleotide variant.
Coding change: c.2004G>A on transcript NM_000548.5 (MANE Select); coding-DNA position 2004, G replaced by A.
Protein change: p.Gly668=; no amino-acid change (glycine 668 retained).
Molecular consequence: synonymous variant. On other transcripts: non-coding transcript variant (5).
Genome position (GRCh38, 1-based): chr16:2,071,841, G>A. VCF-style: chr16-2071841-G-A. GRCh37 (hg19) VCF-style: chr16-2121842-G-A.
Other names: c.2004G>A, p.Gly668= (NM_001077183.3, NM_001114382.3, NM_001363528.2 and 6 more transcripts); c.1893G>A, p.Gly631= (NM_001318827.2, NM_001406670.1, NM_001406678.1); c.1857G>A, p.Gly619= (NM_001318829.2, NM_001406675.1, NM_001406676.1 and 1 more transcripts); c.1404G>A, p.Gly468= (NM_001318831.2, NM_001406680.1, NM_001406682.1 and 6 more transcripts); c.2037G>A, p.Gly679= (NM_001318832.2); c.2094G>A, p.Gly698= (NM_001406667.1, NM_001406668.1); c.1992G>A, p.Gly664= (NM_001406671.1, NM_001406673.1); c.1947G>A, p.Gly649= (NM_001406677.1); and 3 more.
Identifiers: ClinVar variation 2838254 (VCV002838254.4), dbSNP rs746307631, ClinGen allele CA493042574.
Genomic context (GRCh38, chr16:2,071,841, plus strand): 5'-CAGGGAGCCAGAGAGAGGCTCTGAGAAGAAGACCAGCGGCCCCCTTTCTCCTCCCACAGG[G>A]CCTCCTGGCCCGGCGCCTGCAGGCCCCGCCGTGCGGCTGGGGTCCGTGCCCTACTCCCTG-3'
Protein context (NP_000539.2, residues 658-678): KTSGPLSPPT[Gly668=]PPGPAPAGPA